The following is an entry in ClinVar:

NM_012469.4(PRPF6):c.1099C>T (p.Arg367Cys)

Gene: PRPF6 (pre-mRNA processing factor 6; plus strand). Cytogenetic location: 20q13.33.
Variant type: single nucleotide variant.
Coding change: c.1099C>T on transcript NM_012469.4 (MANE Select); coding-DNA position 1099, C replaced by T.
Protein change: p.Arg367Cys; replaces arginine 367 with cysteine.
Molecular consequence: missense variant.
Genome position (GRCh38, 1-based): chr20:64,001,152, C>T. VCF-style: chr20-64001152-C-T. GRCh37 (hg19) VCF-style: chr20-62632505-C-T.
Other names: short protein forms R367C.
Identifiers: ClinVar variation 4704872 (VCV004704872.1).

ClinVar aggregate classification (germline): Uncertain significance (1 of 4 stars; one submission).

gnomAD v4.1: 33 of 1,614,062 alleles (0.002%); highest among the groups gnomAD compares: Middle Eastern, 0.016%; no homozygotes.

Submission:

Labcorp Genetics (formerly Invitae), Labcorp
Classification: Uncertain significance. Last evaluated: 2025-04-02. Review status: criteria provided, single submitter. Criteria: Invitae Variant Classification Sherloc (09022015). Collection method: clinical testing. Allele origin: germline.
Comment: This sequence change replaces arginine, which is basic and polar, with cysteine, which is neutral and slightly polar, at codon 367 of the PRPF6 protein (p.Arg367Cys). This variant is present in population databases (rs763536750, gnomAD 0.008%). This variant has not been reported in the literature in individuals affected with PRPF6-related conditions. Invitae Evidence Modeling of protein sequence and biophysical properties (such as structural, functional, and spatial information, amino acid conservation, physicochemical variation, residue mobility, and thermodynamic stability) indicates that this missense variant is not expected to disrupt PRPF6 protein function with a negative predictive value of 80%. In summary, the available evidence is currently insufficient to determine the role of this variant in disease. Therefore, it has been classified as a Variant of Uncertain Significance.